The following is an entry in ClinVar:

ClinVar aggregate classification (germline): Likely benign (1 of 4 stars; one submission).

Allele frequency attached by ClinVar (database versions not stated): gnomAD exomes below 0.00001.
gnomAD v4.1: 1 of 1,614,150 alleles (0.000062%); highest among the groups gnomAD compares: East Asian, 0.0022%; no homozygotes.

Submission:

GeneDx
Classification: Likely benign. Last evaluated: 2016-04-26. Review status: criteria provided, single submitter. Criteria: GeneDx Variant Classification (06012015). Collection method: clinical testing. Allele origin: germline. Affected: yes.
Comment: This variant is considered likely benign or benign based on one or more of the following criteria: it is a conservative change, it occurs at a poorly conserved position in the protein, it is predicted to be benign by multiple in silico algorithms, and/or has population frequency not consistent with disease.

NM_006031.6(PCNT):c.1640G>A (p.Gly547Glu)

Gene: PCNT (pericentrin; plus strand). Cytogenetic location: 21q22.3.
Variant type: single nucleotide variant.
Coding change: c.1640G>A on transcript NM_006031.6 (MANE Select); coding-DNA position 1640, G replaced by A.
Protein change: p.Gly547Glu; replaces glycine 547 with glutamic acid.
Molecular consequence: missense variant.
Genome position (GRCh38, 1-based): chr21:46,353,287, G>A. VCF-style: chr21-46353287-G-A. GRCh37 (hg19) VCF-style: chr21-47773201-G-A.
Other names: c.1286G>A, p.Gly429Glu (NM_001315529.2); short protein forms G547E, G429E.
Identifiers: ClinVar variation 385565 (VCV000385565.1), dbSNP rs1057522262, ClinGen allele CA16608573.